The following is an entry in ClinVar:

ClinVar aggregate classification (germline): Uncertain significance (1 of 4 stars; one submission).

Conditions:
Kabuki syndrome. Also called: NIIKAWA-KUROKI SYNDROME; Kabuki make-up syndrome. Identifiers: Orphanet 2322, MedGen C0796004, MONDO:0016512.

Submission:

Labcorp Genetics (formerly Invitae), Labcorp
Classification: Uncertain significance for Kabuki syndrome. Last evaluated: 2022-10-24. Review status: criteria provided, single submitter. Criteria: Invitae Variant Classification Sherloc (09022015). Collection method: clinical testing. Allele origin: germline.
Comment: In summary, the available evidence is currently insufficient to determine the role of this variant in disease. Therefore, it has been classified as a Variant of Uncertain Significance. Advanced modeling of protein sequence and biophysical properties (such as structural, functional, and spatial information, amino acid conservation, physicochemical variation, residue mobility, and thermodynamic stability) performed at Invitae indicates that this missense variant is not expected to disrupt KMT2D protein function. This variant has not been reported in the literature in individuals affected with KMT2D-related conditions. This variant is not present in population databases (gnomAD no frequency). This sequence change replaces threonine, which is neutral and polar, with alanine, which is neutral and non-polar, at codon 4772 of the KMT2D protein (p.Thr4772Ala).

NM_003482.4(KMT2D):c.14314A>G (p.Thr4772Ala)

Gene: KMT2D (lysine methyltransferase 2D; minus strand). Cytogenetic location: 12q13.12.
Variant type: single nucleotide variant.
Coding change: c.14314A>G on transcript NM_003482.4 (MANE Select); coding-DNA position 14314, A replaced by G.
Protein change: p.Thr4772Ala; replaces threonine 4772 with alanine.
Molecular consequence: missense variant.
Genome position (GRCh38, 1-based): chr12:49,028,896, T>C on the plus strand (A>G on the coding strand, the complement: KMT2D is on the minus strand). VCF-style: chr12-49028896-T-C. GRCh37 (hg19) VCF-style: chr12-49422679-T-C.
Other names: short protein forms T4772A.
Identifiers: ClinVar variation 2195276 (VCV002195276.4), dbSNP rs2120387487, ClinGen allele CA384696278.